The following is an entry in ClinVar:

NM_000070.3(CAPN3):c.1143del (p.Asp382fs)

Gene: CAPN3 (calpain 3; plus strand). Cytogenetic location: 15q15.1.
Variant type: Deletion.
Coding change: c.1143del on transcript NM_000070.3 (MANE Select); coding-DNA position 1143, one base deleted (A; older notation c.1143delA).
Protein change: p.Asp382fs; shifts the reading frame from aspartic acid 382.
Molecular consequence: frameshift variant.
Genome position (GRCh38, 1-based): chr15:42,396,827, A deleted; the last of 3 consecutive A bases (chr15:42,396,825-42,396,827); deleting any one gives the same sequence. VCF-style (leftmost placement, unchanged base first): chr15-42396824-CA-C. GRCh37 (hg19) VCF-style: chr15-42689022-CA-C.
Other names: c.1143del, p.Asp382fs (NM_024344.2); c.999del, p.Asp334fs (NM_173087.2); c.882delA, p.Asp295Metfs (NM_212464.2); c.*836delA (NM_212467.2); short protein forms D382fs, D334fs.
Identifiers: ClinVar variation 2029351 (VCV002029351.4), dbSNP rs2548270156, ClinGen allele CA2580089406.
Genomic context (GRCh38, chr15:42,396,824, plus strand): 5'-CTTCCTGCTTCCTTAATTCCTCCATTTTCCCACCAGATGGAAGGACTGGAGCTTTGTGGA[CA>C]AAGATGAGAAGGCCCGTCTGCAGCACCAGGTCACTGAGGATGGAGAGTTCTGGTGAGTCC-3'

ClinVar aggregate classification (germline): Pathogenic (1 of 4 stars; one submission).

Conditions:
Autosomal recessive limb-girdle muscular dystrophy type 2A (LGMDR1). Also called: MUSCULAR DYSTROPHY, PELVOFEMORAL; Limb-girdle muscular dystrophy, type 2A; Muscular dystrophy, limb-girdle, type 2A, Amish; Calpainopathy; LEYDEN-MOEBIUS MUSCULAR DYSTROPHY. Identifiers: Orphanet 267, MedGen C1869123, MONDO:0009675, OMIM 253600. Disease mechanism: loss of function.

Submission:

Labcorp Genetics (formerly Invitae), Labcorp
Classification: Pathogenic for Autosomal recessive limb-girdle muscular dystrophy type 2A. Last evaluated: 2022-09-13. Review status: criteria provided, single submitter. Criteria: Invitae Variant Classification Sherloc (09022015). Collection method: clinical testing. Allele origin: germline.
Comment: For these reasons, this variant has been classified as Pathogenic. This sequence change creates a premature translational stop signal (p.Asp382Metfs*52) in the CAPN3 gene. It is expected to result in an absent or disrupted protein product. Loss-of-function variants in CAPN3 are known to be pathogenic (PMID: 10330340, 15689361). This variant is not present in population databases (gnomAD no frequency). This variant has not been reported in the literature in individuals affected with CAPN3-related conditions.

Literature cited by the submitters: PubMed 10330340; PubMed 15689361.